The following is an entry in ClinVar:

ClinVar aggregate classification (germline): Uncertain significance (1 of 4 stars; one submission).

Allele frequency attached by ClinVar (database versions not stated): TOPMed below 0.00001; gnomAD exomes 0.00001; ExAC 0.00002; ESP Exome Variant Server 0.00008.
gnomAD v4.1: 8 of 1,614,214 alleles (0.0005%); highest among the groups gnomAD compares: Admixed American, 0.0017%; no homozygotes.

Submission:

Labcorp Genetics (formerly Invitae), Labcorp
Classification: Uncertain significance. Last evaluated: 2022-10-05. Review status: criteria provided, single submitter. Criteria: Invitae Variant Classification Sherloc (09022015). Collection method: clinical testing. Allele origin: germline.
Comment: In summary, the available evidence is currently insufficient to determine the role of this variant in disease. Therefore, it has been classified as a Variant of Uncertain Significance. Algorithms developed to predict the effect of missense changes on protein structure and function (SIFT, PolyPhen-2, Align-GVGD) all suggest that this variant is likely to be disruptive. ClinVar contains an entry for this variant (Variation ID: 1018117). This variant has not been reported in the literature in individuals affected with TUB-related conditions. This variant is present in population databases (rs376531726, gnomAD 0.003%). This sequence change replaces arginine, which is basic and polar, with tryptophan, which is neutral and slightly polar, at codon 527 of the TUB protein (p.Arg527Trp).

NM_177972.3(TUB):c.1414C>T (p.Arg472Trp)

Genes: TUB (TUB bipartite transcription factor; plus strand), RIC3 (RIC3 acetylcholine receptor chaperone; minus strand). Cytogenetic location: 11p15.4.
Variant type: single nucleotide variant.
Coding change: c.1414C>T on transcript NM_177972.3 (MANE Select); coding-DNA position 1414, C replaced by T.
Protein change: p.Arg472Trp; replaces arginine 472 with tryptophan.
Molecular consequence: missense variant.
Genome position (GRCh38, 1-based): chr11:8,101,512, C>T. VCF-style: chr11-8101512-C-T. GRCh37 (hg19) VCF-style: chr11-8123059-C-T.
Other names: c.1579C>T, p.Arg527Trp (NM_003320.5); short protein forms R472W, R527W.
Identifiers: ClinVar variation 1018117 (VCV001018117.8), dbSNP rs376531726, ClinGen allele CA5871514.
Genomic context (GRCh38, chr11:8,101,512, plus strand): 5'-CCTTTTCTCTGTCTGTGCCTGTGCTTGGCCCCAGCGGACTACATCGTGATGCAGTTTGGC[C>T]GGGTAGCAGAGGATGTGTTCACCATGGATTACAACTACCCGCTGTGTGCACTGCAGGCCT-3'
Protein context (NP_813977.1, residues 462-482): DPDYIVMQFG[Arg472Trp]VAEDVFTMDY